The following is an entry in ClinVar:

ClinVar aggregate classification (germline): Likely benign. Review status: criteria provided, multiple submitters, no conflicts (2 of 4 stars). 2 submissions from 2 submitters: Likely benign (2). Last evaluated 2025-02-23.

Conditions:
Collagen 6-related myopathy. Identifiers: MedGen CN117976, MONDO:0100225.
Bethlem myopathy 1A. Also called: MYOPATHY, BENIGN CONGENITAL, WITH CONTRACTURES; Bethlem myopathy 1; Bethlem Muscular Dystrophy. Identifiers: Orphanet 610, MedGen CN029274, MONDO:0024530, OMIM 158810.

Allele frequency attached by ClinVar (database versions not stated): ExAC 0.00002; TOPMed 0.00002; gnomAD 0.00003; gnomAD exomes 0.00004.
gnomAD v4.1: 64 of 1,614,080 alleles (0.004%); highest among the groups gnomAD compares: Non-Finnish European, 0.0048%; no homozygotes.

Submissions (2):

Labcorp Genetics (formerly Invitae), Labcorp
Classification: Likely benign for Bethlem myopathy 1A. Last evaluated: 2025-02-23. Review status: criteria provided, single submitter. Criteria: Invitae Variant Classification Sherloc (09022015). Collection method: clinical testing. Allele origin: germline.

Illumina Laboratory Services, Illumina
Classification: Likely benign for Collagen VI-related myopathy. Last evaluated: 2018-01-13. Review status: criteria provided, single submitter. Criteria: ICSL Variant Classification Criteria 13 December 2019. Collection method: clinical testing. Allele origin: germline.
Comment: This variant was observed in the ICSL laboratory as part of a predisposition screen in an ostensibly healthy population. It had not been previously curated by ICSL or reported in the Human Gene Mutation Database (HGMD: prior to June 1st, 2018), and was therefore a candidate for classification through an automated scoring system. Utilizing variant allele frequency, disease prevalence and penetrance estimates, and inheritance mode, an automated score was calculated to assess if this variant is too frequent to cause the disease. Based on the score and internal cut-off values, a variant classified as likely benign is not then subjected to further curation. The score for this variant resulted in a classification of likely benign for this disease.

NM_004369.4(COL6A3):c.5112C>T (p.Asp1704=)

Gene: COL6A3 (collagen type VI alpha 3 chain; minus strand). Cytogenetic location: 2q37.3.
Variant type: single nucleotide variant.
Coding change: c.5112C>T on transcript NM_004369.4 (MANE Select); coding-DNA position 5112, C replaced by T.
Protein change: p.Asp1704=; no amino-acid change (aspartic acid 1704 retained).
Molecular consequence: synonymous variant.
Genome position (GRCh38, 1-based): chr2:237,367,075, G>A on the plus strand (C>T on the coding strand, the complement: COL6A3 is on the minus strand). VCF-style: chr2-237367075-G-A. GRCh37 (hg19) VCF-style: chr2-238275718-G-A.
Other names: c.3291C>T, p.Asp1097= (NM_057166.5); c.4494C>T, p.Asp1498= (NM_057167.4).
Identifiers: ClinVar variation 894893 (VCV000894893.11), dbSNP rs759756382, ClinGen allele CA2188743.